The following is an entry in ClinVar:

ClinVar aggregate classification (germline): Uncertain significance (1 of 4 stars; one submission).

Allele frequency attached by ClinVar (database versions not stated): gnomAD exomes below 0.00001.
gnomAD v4.1: 2 of 1,614,180 alleles (0.00012%); highest among the groups gnomAD compares: East Asian, 0.0022%; no homozygotes.

Submission:

GeneDx
Classification: Uncertain significance. Last evaluated: 2022-09-07. Review status: criteria provided, single submitter. Criteria: GeneDx Variant Classification Process June 2021. Collection method: clinical testing. Allele origin: germline. Affected: yes.
Comment: Not observed at significant frequency in large population cohorts (gnomAD); In silico analysis supports that this missense variant does not alter protein structure/function; Has not been previously published as pathogenic or benign to our knowledge

NM_015557.3(CHD5):c.1819G>A (p.Asp607Asn)

Gene: CHD5 (chromodomain helicase DNA binding protein 5; minus strand). Cytogenetic location: 1p36.31.
Variant type: single nucleotide variant.
Coding change: c.1819G>A on transcript NM_015557.3 (MANE Select); coding-DNA position 1819, G replaced by A.
Protein change: p.Asp607Asn; replaces aspartic acid 607 with asparagine.
Molecular consequence: missense variant.
Genome position (GRCh38, 1-based): chr1:6,144,139, C>T on the plus strand (G>A on the coding strand, the complement: CHD5 is on the minus strand). VCF-style: chr1-6144139-C-T. GRCh37 (hg19) VCF-style: chr1-6204199-C-T.
Other names: short protein forms D607N.
Identifiers: ClinVar variation 2443632 (VCV002443632.1), dbSNP rs2525414486, ClinGen allele CA338081765.